The following is an entry in ClinVar:

ClinVar aggregate classification (germline): Conflicting classifications of pathogenicity. Review status: criteria provided, conflicting classifications (1 of 4 stars). 3 submissions from 3 submitters: Uncertain significance (2); Likely benign (1). Last evaluated 2024-12-12.

Conditions:
Hereditary cancer-predisposing syndrome. Also called: Tumor predisposition; Hereditary Cancer Syndrome; Hereditary neoplastic syndrome; Neoplastic Syndromes, Hereditary. Identifiers: Orphanet 140162, MedGen C0027672, MeSH D009386, MONDO:0015356.
CDH1-related diffuse gastric and lobular breast cancer syndrome. Also called: CDH1-related diffuse gastric and lobular breast cancer. Identifiers: MedGen CN311521, MONDO:0100488.
Hereditary diffuse gastric adenocarcinoma (HDGC). Also called: DIFFUSE GASTRIC AND LOBULAR BREAST CANCER SYNDROME. Identifiers: Orphanet 26106, MedGen C1708349, MONDO:0007648, OMIM 137215.

Submissions (3):

Ambry Genetics
Classification: Likely benign for Hereditary cancer-predisposing syndrome. Last evaluated: 2024-12-12. Review status: criteria provided, single submitter. Criteria: Ambry Variant Classification Scheme 2023. Collection method: clinical testing. Allele origin: germline.

Labcorp Genetics (formerly Invitae), Labcorp
Classification: Uncertain significance for Hereditary diffuse gastric adenocarcinoma. Last evaluated: 2024-05-19. Review status: criteria provided, single submitter. Criteria: Invitae Variant Classification Sherloc (09022015). Collection method: clinical testing. Allele origin: germline.
Comment: This sequence change replaces asparagine, which is neutral and polar, with serine, which is neutral and polar, at codon 666 of the CDH1 protein (p.Asn666Ser). This variant is not present in population databases (gnomAD no frequency). This variant has not been reported in the literature in individuals affected with CDH1-related conditions. ClinVar contains an entry for this variant (Variation ID: 2139339). An algorithm developed to predict the effect of missense changes on protein structure and function (PolyPhen-2) suggests that this variant is likely to be tolerated. In summary, the available evidence is currently insufficient to determine the role of this variant in disease. Therefore, it has been classified as a Variant of Uncertain Significance.

Department of Pathology and Laboratory Medicine, Sinai Health System
Classification: Uncertain significance for CDH1-related diffuse gastric and lobular breast cancer syndrome. Last evaluated: 2022-02-03. Review status: criteria provided, single submitter. Criteria: ACMG Guidelines, 2015. Collection method: clinical testing. Allele origin: germline. Affected: no.

NM_004360.5(CDH1):c.1997A>G (p.Asn666Ser)

Gene: CDH1 (cadherin 1; plus strand). Cytogenetic location: 16q22.1.
Variant type: single nucleotide variant.
Coding change: c.1997A>G on transcript NM_004360.5 (MANE Select); coding-DNA position 1997, A replaced by G.
Protein change: p.Asn666Ser; replaces asparagine 666 with serine.
Molecular consequence: missense variant.
Genome position (GRCh38, 1-based): chr16:68,823,459, A>G. VCF-style: chr16-68823459-A-G. GRCh37 (hg19) VCF-style: chr16-68857362-A-G.
Other names: c.1997A>G (NM_004360.4); c.1814A>G, p.Asn605Ser (NM_001317184.2); c.449A>G, p.Asn150Ser (NM_001317185.2); c.32A>G, p.Asn11Ser (NM_001317186.2); short protein forms N11S, N150S, N605S, N666S.
Identifiers: ClinVar variation 2139339 (VCV002139339.6), dbSNP rs897830106, ClinGen allele CA283312916.